The following is an entry in ClinVar:

NM_018451.5(CPAP):c.2978G>A (p.Arg993His)

Gene: CPAP (centrosome assembly and centriole elongation protein; minus strand). Cytogenetic location: 13q12.12.
Variant type: single nucleotide variant.
Coding change: c.2978G>A on transcript NM_018451.5 (MANE Select); coding-DNA position 2978, G replaced by A.
Protein change: p.Arg993His; replaces arginine 993 with histidine.
Molecular consequence: missense variant. On other transcripts: non-coding transcript variant (2).
Genome position (GRCh38, 1-based): chr13:24,899,432, C>T on the plus strand (G>A on the coding strand, the complement: CPAP is on the minus strand). VCF-style: chr13-24899432-C-T. GRCh37 (hg19) VCF-style: chr13-25473570-C-T.
Other names: short protein forms R993H.
Identifiers: ClinVar variation 2417297 (VCV002417297.4), dbSNP rs375262924, ClinGen allele CA6919466.

ClinVar aggregate classification (germline): Uncertain significance (1 of 4 stars; one submission).

Allele frequency attached by ClinVar (database versions not stated): gnomAD 0.00003; TOPMed 0.00003; ESP Exome Variant Server 0.00015.
gnomAD v4.1: 61 of 1,612,476 alleles (0.0038%); highest among the groups gnomAD compares: African/African-American, 0.0053%; no homozygotes.

Submission:

Labcorp Genetics (formerly Invitae), Labcorp
Classification: Uncertain significance. Last evaluated: 2022-04-07. Review status: criteria provided, single submitter. Criteria: Invitae Variant Classification Sherloc (09022015). Collection method: clinical testing. Allele origin: germline.
Comment: This sequence change replaces arginine, which is basic and polar, with histidine, which is basic and polar, at codon 993 of the CENPJ protein (p.Arg993His). This variant is present in population databases (rs375262924, gnomAD 0.007%). This variant has not been reported in the literature in individuals affected with CENPJ-related conditions. Algorithms developed to predict the effect of missense changes on protein structure and function are either unavailable or do not agree on the potential impact of this missense change (SIFT: "Deleterious"; PolyPhen-2: "Probably Damaging"; Align-GVGD: "Class C0"). In summary, the available evidence is currently insufficient to determine the role of this variant in disease. Therefore, it has been classified as a Variant of Uncertain Significance.